The following is an entry in ClinVar:

ClinVar aggregate classification (germline): Uncertain significance. Review status: criteria provided, multiple submitters, no conflicts (2 of 4 stars). 2 submissions from 2 submitters: Uncertain significance (2). Last evaluated 2024-11-11.

Conditions:
Inborn genetic diseases. Identifiers: MedGen C0950123, MeSH D030342.

gnomAD v4.1: 12 of 1,434,604 alleles (0.00084%); highest among the groups gnomAD compares: Admixed American, 0.022%; no homozygotes.

Submissions (2):

Labcorp Genetics (formerly Invitae), Labcorp
Classification: Uncertain significance. Last evaluated: 2024-11-11. Review status: criteria provided, single submitter. Criteria: Invitae Variant Classification Sherloc (09022015). Collection method: clinical testing. Allele origin: germline.
Comment: This sequence change replaces alanine, which is neutral and non-polar, with glycine, which is neutral and non-polar, at codon 165 of the HMX1 protein (p.Ala165Gly). This variant is present in population databases (no rsID available, gnomAD 0.02%). This variant has not been reported in the literature in individuals affected with HMX1-related conditions. ClinVar contains an entry for this variant (Variation ID: 970698). Invitae Evidence Modeling of protein sequence and biophysical properties (such as structural, functional, and spatial information, amino acid conservation, physicochemical variation, residue mobility, and thermodynamic stability) indicates that this missense variant is not expected to disrupt HMX1 protein function with a negative predictive value of 80%. In summary, the available evidence is currently insufficient to determine the role of this variant in disease. Therefore, it has been classified as a Variant of Uncertain Significance.

Ambry Genetics
Classification: Uncertain significance for Inborn genetic diseases. Last evaluated: 2022-06-09. Review status: criteria provided, single submitter. Criteria: Ambry Variant Classification Scheme 2023. Collection method: clinical testing. Allele origin: germline.

NM_018942.3(HMX1):c.494C>G (p.Ala165Gly)

Gene: HMX1 (H6 family homeobox 1; minus strand). Cytogenetic location: 4p16.1.
Variant type: single nucleotide variant.
Coding change: c.494C>G on transcript NM_018942.3 (MANE Select); coding-DNA position 494, C replaced by G.
Protein change: p.Ala165Gly; replaces alanine 165 with glycine.
Molecular consequence: missense variant. On other transcripts: intron variant (1).
Genome position (GRCh38, 1-based): chr4:8,868,246, G>C on the plus strand (C>G on the coding strand, the complement: HMX1 is on the minus strand). VCF-style: chr4-8868246-G-C. GRCh37 (hg19) VCF-style: chr4-8869972-G-C.
Other names: c.394+2975C>G (NM_001306142.2); short protein forms A165G.
Identifiers: ClinVar variation 970698 (VCV000970698.6), dbSNP rs1412313046, ClinGen allele CA356278473.
Genomic context (GRCh38, chr4:8,868,246, plus strand): 5'-ACCTCGGCCAGCTCCGACGCCTCCTCCGTGCCGGCCGCCGGGCCACGCGCCGCCAGCTCC[G>C]CTGCCTCCCGCTGCACCGCTCCCGGCCCGGGGCCTCGCGGCCAGGCGCCCTCCGCACGGC-3'
Protein context (NP_061815.2, residues 155-175): PGPGAVQREA[Ala165Gly]ELAARGPAAG